The following is an entry in ClinVar:

NM_001376.5(DYNC1H1):c.2343G>C (p.Leu781=)

Gene: DYNC1H1 (dynein cytoplasmic 1 heavy chain 1; plus strand). Cytogenetic location: 14q32.31.
Variant type: single nucleotide variant.
Coding change: c.2343G>C on transcript NM_001376.5 (MANE Select); coding-DNA position 2343, G replaced by C.
Protein change: p.Leu781=; no amino-acid change (leucine 781 retained).
Molecular consequence: synonymous variant.
Genome position (GRCh38, 1-based): chr14:101,986,568, G>C. VCF-style: chr14-101986568-G-C. GRCh37 (hg19) VCF-style: chr14-102452905-G-C.
Identifiers: ClinVar variation 1971982 (VCV001971982.18), dbSNP rs2503696056, ClinGen allele CA488183599.

ClinVar aggregate classification (germline): Likely benign. Review status: criteria provided, multiple submitters, no conflicts (2 of 4 stars). 2 submissions from 2 submitters: Likely benign (2). Last evaluated 2025-02-01.

Conditions:
Charcot-Marie-Tooth disease axonal type 2O. Also called: Charcot-Marie-Tooth disease, axonal, type 20; CHARCOT-MARIE-TOOTH NEUROPATHY, AXONAL, TYPE 2O; CHARCOT-MARIE-TOOTH DISEASE, AXONAL, AUTOSOMAL DOMINANT, TYPE 2O; Charcot-Marie-Tooth Neuropathy Type 2O. Identifiers: Orphanet 284232, MedGen C3280220, MONDO:0013644, OMIM 614228.

Submissions (2):

CeGaT Center for Human Genetics Tuebingen
Classification: Likely benign. Last evaluated: 2025-02-01. Review status: criteria provided, single submitter. Criteria: CeGaT Center For Human Genetics Tuebingen Variant Classification Criteria Version 2. Collection method: clinical testing. Allele origin: germline. Affected: yes. Observed: 1 variant allele.
Comment: DYNC1H1: PM2:Supporting, BP4, BP7

Labcorp Genetics (formerly Invitae), Labcorp
Classification: Likely benign for Charcot-Marie-Tooth disease axonal type 2O. Last evaluated: 2022-05-14. Review status: criteria provided, single submitter. Criteria: Invitae Variant Classification Sherloc (09022015). Collection method: clinical testing. Allele origin: germline.